The following is an entry in ClinVar:

NM_004369.4(COL6A3):c.4742C>G (p.Thr1581Arg)

Gene: COL6A3 (collagen type VI alpha 3 chain; minus strand). Cytogenetic location: 2q37.3.
Variant type: single nucleotide variant.
Coding change: c.4742C>G on transcript NM_004369.4 (MANE Select); coding-DNA position 4742, C replaced by G.
Protein change: p.Thr1581Arg; replaces threonine 1581 with arginine.
Molecular consequence: missense variant.
Genome position (GRCh38, 1-based): chr2:237,368,721, G>C on the plus strand (C>G on the coding strand, the complement: COL6A3 is on the minus strand). VCF-style: chr2-237368721-G-C. GRCh37 (hg19) VCF-style: chr2-238277364-G-C.
Other names: c.2921C>G, p.Thr974Arg (NM_057166.5); c.4124C>G, p.Thr1375Arg (NM_057167.4); short protein forms T1581R, T1375R, T974R.
Identifiers: ClinVar variation 476528 (VCV000476528.14), dbSNP rs1156524068, ClinGen allele CA351192223.

ClinVar aggregate classification (germline): Conflicting classifications of pathogenicity. Review status: criteria provided, conflicting classifications (1 of 4 stars). 3 submissions from 3 submitters: Uncertain significance (2); Benign (1). Last evaluated 2023-07-09.

Conditions:
Bethlem myopathy 1A. Also called: Bethlem Muscular Dystrophy; MYOPATHY, BENIGN CONGENITAL, WITH CONTRACTURES; Bethlem myopathy 1. Identifiers: Orphanet 610, MedGen CN029274, MONDO:0024530, OMIM 158810.

Allele frequency attached by ClinVar (database versions not stated): gnomAD 0.00004; gnomAD exomes below 0.00001 and 0.00001; TOPMed 0.00003.

Submissions (3):

Labcorp Genetics (formerly Invitae), Labcorp
Classification: Benign for Bethlem myopathy 1A. Last evaluated: 2023-07-09. Review status: criteria provided, single submitter. Criteria: Invitae Variant Classification Sherloc (09022015). Collection method: clinical testing. Allele origin: germline.

GeneDx
Classification: Uncertain significance. Last evaluated: 2022-07-13. Review status: criteria provided, single submitter. Criteria: GeneDx Variant Classification Process June 2021. Collection method: clinical testing. Allele origin: germline. Affected: yes.
Comment: Not observed at significant frequency in large population cohorts (gnomAD); In silico analysis supports that this missense variant does not alter protein structure/function; Has not been previously published as pathogenic or benign to our knowledge

Revvity Omics, Revvity
Classification: Uncertain significance. Last evaluated: 2021-11-26. Review status: criteria provided, single submitter. Criteria: ACMG Guidelines, 2015. Collection method: clinical testing. Allele origin: germline.